The following is an entry in ClinVar:

NM_017433.5(MYO3A):c.2803A>C (p.Met935Leu)

Gene: MYO3A (myosin IIIA; plus strand). Cytogenetic location: 10p12.1.
Variant type: single nucleotide variant.
Coding change: c.2803A>C on transcript NM_017433.5 (MANE Select); coding-DNA position 2803, A replaced by C.
Protein change: p.Met935Leu; replaces methionine 935 with leucine.
Molecular consequence: missense variant.
Genome position (GRCh38, 1-based): chr10:26,157,319, A>C. VCF-style: chr10-26157319-A-C. GRCh37 (hg19) VCF-style: chr10-26446248-A-C.
Other names: short protein forms M935L.
Identifiers: ClinVar variation 667276 (VCV000667276.10), dbSNP rs375958934, ClinGen allele CA5445083.

ClinVar aggregate classification (germline): Uncertain significance. Review status: criteria provided, multiple submitters, no conflicts (2 of 4 stars). 4 submissions from 4 submitters: Uncertain significance (4). Last evaluated 2026-05-05.

Conditions:
Inborn genetic diseases. Identifiers: MedGen C0950123, MeSH D030342.

Allele frequency attached by ClinVar (database versions not stated): gnomAD exomes 0.00004 and 0.00011; ExAC 0.00005; gnomAD 0.00005 and 0.00006; TOPMed 0.00005; ESP Exome Variant Server 0.00008.
gnomAD v4.1: 161 of 1,613,900 alleles (0.01%); highest among the groups gnomAD compares: Non-Finnish European, 0.013%; no homozygotes.

Submissions (4):

GeneDx
Classification: Uncertain significance. Last evaluated: 2026-05-05. Review status: criteria provided, single submitter. Criteria: GeneDx Variant Classification Process June 2021. Collection method: clinical testing. Allele origin: germline.
Comment: In silico analysis supports that this missense variant has a deleterious effect on protein structure/function; Has not been previously published as pathogenic or benign to our knowledge

Ambry Genetics
Classification: Uncertain significance for Inborn genetic diseases. Last evaluated: 2024-11-07. Review status: criteria provided, single submitter. Criteria: Ambry Variant Classification Scheme 2023. Collection method: clinical testing. Allele origin: germline.

Blueprint Genetics
Classification: Uncertain significance. Last evaluated: 2024-10-24. Review status: criteria provided, single submitter. Criteria: ACMG Guidelines, 2015. Collection method: clinical testing. Allele origin: germline.

Laboratory for Molecular Medicine, Mass General Brigham Personalized Medicine
Classification: Uncertain significance. Last evaluated: 2018-06-26. Review status: criteria provided, single submitter. Criteria: LMM Criteria. Collection method: clinical testing. Allele origin: germline. Observed: 1 variant allele.
Comment: The p.Met935Leu variant in MYO3A has not been previously reported in individuals with hearing loss but has been identified in 5/111534 European chromosomes by t he Genome Aggregation Database (gnomAD; dbSNP rs375958934). Computational prediction tools and conservation analysis suggest t hat the p.Met935Leu variant may impact the protein, though this information is n ot predictive enough to determine pathogenicity. In summary, the clinical signif icance of the p.Met935Leu variant is uncertain. ACMG/AMP Criteria applied: PP3, PM2_Supporting.